The following is an entry in ClinVar:

NM_006031.6(PCNT):c.6447G>A (p.Ala2149=)

Gene: PCNT (pericentrin; plus strand). Cytogenetic location: 21q22.3.
Variant type: single nucleotide variant.
Coding change: c.6447G>A on transcript NM_006031.6 (MANE Select); coding-DNA position 6447, G replaced by A.
Protein change: p.Ala2149=; no amino-acid change (alanine 2149 retained).
Molecular consequence: synonymous variant.
Genome position (GRCh38, 1-based): chr21:46,416,365, G>A. VCF-style: chr21-46416365-G-A. GRCh37 (hg19) VCF-style: chr21-47836279-G-A.
Other names: c.6093G>A, p.Ala2031= (NM_001315529.2).
Identifiers: ClinVar variation 436211 (VCV000436211.10), dbSNP rs763122571, ClinGen allele CA10080336.

ClinVar aggregate classification (germline): Likely benign. Review status: criteria provided, multiple submitters, no conflicts (2 of 4 stars). 3 submissions from 3 submitters: Likely benign (3). Last evaluated 2024-10-30.

Conditions:
PCNT-related disorder. Also called: PCNT-related condition.

Allele frequency attached by ClinVar (database versions not stated): TOPMed below 0.00001; gnomAD 0.00001.
gnomAD v4.1: 24 of 1,613,958 alleles (0.0015%); highest among the groups gnomAD compares: Admixed American, 0.013%; no homozygotes.

Submissions (3):

PreventionGenetics, part of Exact Sciences
Classification: Likely benign for PCNT-related condition. Last evaluated: 2024-10-30. Review status: criteria provided, single submitter. Criteria: ACMG Guidelines, 2015. Collection method: clinical testing. Allele origin: germline.
Comment: This variant is classified as likely benign based on ACMG/AMP sequence variant interpretation guidelines (Richards et al. 2015 PMID: 25741868, with internal and published modifications).

Labcorp Genetics (formerly Invitae), Labcorp
Classification: Likely benign. Last evaluated: 2023-12-19. Review status: criteria provided, single submitter. Criteria: Invitae Variant Classification Sherloc (09022015). Collection method: clinical testing. Allele origin: germline.

Genetic Services Laboratory, University of Chicago
Classification: Likely benign. Last evaluated: 2016-05-09. Review status: criteria provided, single submitter. Criteria: ACMG Guidelines, 2015. Collection method: clinical testing. Allele origin: germline. Affected: no.